The following is an entry in ClinVar:

ClinVar aggregate classification (germline): Uncertain significance (1 of 4 stars; one submission).

Conditions:
Cone-rod dystrophy 6 (CORD6). Also called: RETINAL CONE DYSTROPHY 2; Cone dystrophy progressive. Identifiers: Orphanet 1872, MedGen C1866293, MONDO:0011143, OMIM 601777.
Leber congenital amaurosis 1 (LCA1). Also called: AMAUROSIS CONGENITA OF LEBER I; RETINAL BLINDNESS, CONGENITAL; Congenital absence of the rods and cones; Leber's congenital tapetoretinal degeneration; Leber's congenital tapetoretinal dysplasia. Identifiers: Orphanet 65, MedGen C2931258, MONDO:0008764, OMIM 204000.

Allele frequency attached by ClinVar (database versions not stated): gnomAD exomes below 0.00001; TOPMed 0.00001.
gnomAD v4.1: 3 of 1,613,450 alleles (0.00019%); highest among the groups gnomAD compares: Admixed American, 0.0017%; no homozygotes.

Submission:

Labcorp Genetics (formerly Invitae), Labcorp
Classification: Uncertain significance for Leber congenital amaurosis 1; Cone-rod dystrophy 6. Last evaluated: 2025-11-23. Review status: criteria provided, single submitter. Criteria: Invitae Variant Classification Sherloc (09022015). Collection method: clinical testing. Allele origin: germline.
Comment: This sequence change replaces arginine, which is basic and polar, with glutamine, which is neutral and polar, at codon 413 of the GUCY2D protein (p.Arg413Gln). The frequency data for this variant in the population databases is considered unreliable, as metrics indicate poor data quality at this position in the gnomAD database. This variant has not been reported in the literature in individuals affected with GUCY2D-related conditions. ClinVar contains an entry for this variant (Variation ID: 1008926). Invitae Evidence Modeling of protein sequence and biophysical properties (such as structural, functional, and spatial information, amino acid conservation, physicochemical variation, residue mobility, and thermodynamic stability) indicates that this missense variant is not expected to disrupt GUCY2D protein function with a negative predictive value of 80%. In summary, the available evidence is currently insufficient to determine the role of this variant in disease. Therefore, it has been classified as a Variant of Uncertain Significance.

NM_000180.4(GUCY2D):c.1238G>A (p.Arg413Gln)

Gene: GUCY2D (guanylate cyclase 2D, retinal; plus strand). Cytogenetic location: 17p13.1.
Variant type: single nucleotide variant.
Coding change: c.1238G>A on transcript NM_000180.4 (MANE Select); coding-DNA position 1238, G replaced by A.
Protein change: p.Arg413Gln; replaces arginine 413 with glutamine.
Molecular consequence: missense variant.
Genome position (GRCh38, 1-based): chr17:8,006,574, G>A. VCF-style: chr17-8006574-G-A. GRCh37 (hg19) VCF-style: chr17-7909892-G-A.
Other names: short protein forms R413Q.
Identifiers: ClinVar variation 1008926 (VCV001008926.8), dbSNP rs1253086014, ClinGen allele CA397948037.